The following is an entry in ClinVar:

ClinVar aggregate classification (germline): Likely pathogenic. Review status: reviewed by expert panel (3 of 4 stars). 4 submissions from 4 submitters: Likely pathogenic (1). 3 of the submissions do not count toward it. Last evaluated 2024-05-23.

Conditions:
Marfan syndrome (MFS). Also called: Marfan syndrome type 1; Marfan syndrome, classic; Marfan's syndrome; FBN1-Related Marfan Syndrome; MARFAN SYNDROME, TYPE I. Identifiers: Orphanet 284963, Orphanet 558, MedGen C0024796, MONDO:0007947, OMIM 154700.
Familial thoracic aortic aneurysm and aortic dissection (TAAD). Also called: Thoracic aortic aneurysms and dissections. Identifiers: Orphanet 91387, MedGen C4707243, MONDO:0019625.

Submissions (4):

ClinGen FBN1 Variant Curation Expert Panel, ClinGen
Classification: Likely pathogenic for Marfan syndrome. Last evaluated: 2024-05-23. Review status: reviewed by expert panel. Criteria: Assertion Criteria VCEP FBN1 Version 1. Collection method: curation. Allele origin: germline. Inheritance: Autosomal dominant inheritance.
Comment: The NM_00138 c.3650G>A is a missense variant in FBN1 predicted to cause a substitution of a glycine by aspartic acid at amino acid 1217 (p.Gly1217Asp). This cysteine-creating variant impacts a critical glycine between Cys3 and Cys4 within a calcium binding EGF-like domain, important for interdomain packaging (PM1, PMID 31227806). This variant has been reported three times in ClinVar: once as likely pathogenic, and twice as uncertain significance (Variation ID: 549180). This variant has also been reported in at least 4 individuals with a clinical diagnosis of MFS or clinical features of MFS (PS4_Mod; PMID 27112580, Petrovsky National Research Centre of Surgery ClinVar entry, Internal lab data). This variant is not present in gnomAD (PM2_sup; v2.1.1). Computational prediction tools and conservation analysis suggest that this variant may impact the protein (REVEL: 0.987, PP3). The constraint z-score for missense variants affecting FBN1 is 5.06 (PP2). In summary, this variant meets criteria to be classified as likely pathogenic for Marfan syndrome based on the ACMG/AMP criteria applied, as specified by the ClinGen FBN1 VCEP: PM1, PS4_Mod, PM2_Sup, PP2, PP3, PP4.

Labcorp Genetics (formerly Invitae), Labcorp
Classification: Uncertain significance for Marfan syndrome; Familial thoracic aortic aneurysm and aortic dissection. Last evaluated: 2020-02-18. Review status: criteria provided, single submitter. Criteria: Invitae Variant Classification Sherloc (09022015). Collection method: clinical testing. Allele origin: germline. Not counted in ClinVar's aggregate classification.
Comment: This sequence change replaces glycine with aspartic acid at codon 1217 of the FBN1 protein (p.Gly1217Asp). The glycine residue is highly conserved and there is a moderate physicochemical difference between glycine and aspartic acid. This variant is not present in population databases (ExAC no frequency). This variant has been reported in an individual affected with Marfan syndrome (PMID: 27112580). Algorithms developed to predict the effect of missense changes on protein structure and function (SIFT, PolyPhen-2, Align-GVGD) all suggest that this variant is likely to be disruptive, but these predictions have not been confirmed by published functional studies and their clinical significance is uncertain. In summary, the available evidence is currently insufficient to determine the role of this variant in disease. Therefore, it has been classified as a Variant of Uncertain Significance.

Petrovsky National Research Centre of Surgery, The Federal Agency for Scientific Organizations
Classification: Likely pathogenic for Marfan syndrome. Last evaluated: 2019-08-02. Review status: criteria provided, single submitter. Criteria: ACMG Guidelines, 2015. Collection method: clinical testing. Allele origin: unknown. Inheritance: Autosomal dominant inheritance. Affected: yes. Observed: 1 heterozygote. Not counted in ClinVar's aggregate classification.
Comment: The p.Gly1217Asp variant was found in one individual with MFS (PMID: 27112580) and is absent in large population studies (ExAC no frequency). The substitution of 1217 codon occurs in cbEGF-like domain and it participates in domain-domain packing (UMD-FBN1 Record ID: 2293). FBN1 gene is known to be less tolerant to missense variants (ExAC Z score = 5.33). ClinVar has an entry for this variant (Variation ID: 549180). Computational tools like Provean, PolyPhen2, MutationTaster show a deleterious result. Classification was based on ACMG criteria, concluding p.Gly1217Asp variant as Likely Pathogenic (PM1, PM2, PP2, PP3, PP4), although without function study we can't exclude the possibility of benign.

Center for Medical Genetics Ghent, University of Ghent
Classification: Uncertain significance for Marfan syndrome. Last evaluated: 2017-11-07. Review status: no assertion criteria provided. Collection method: clinical testing. Allele origin: germline. Affected: yes. Not counted in ClinVar's aggregate classification.

Literature cited by the submitters: PubMed 27112580 (cited by Labcorp Genetics (formerly Invitae), Labcorp).

NM_000138.5(FBN1):c.3650G>A (p.Gly1217Asp)

Gene: FBN1 (fibrillin 1; minus strand). Cytogenetic location: 15q21.1.
Variant type: single nucleotide variant.
Coding change: c.3650G>A on transcript NM_000138.5 (MANE Select); coding-DNA position 3650, G replaced by A.
Protein change: p.Gly1217Asp; replaces glycine 1217 with aspartic acid.
Molecular consequence: missense variant.
Genome position (GRCh38, 1-based): chr15:48,485,436, C>T on the plus strand (G>A on the coding strand, the complement: FBN1 is on the minus strand). VCF-style: chr15-48485436-C-T. GRCh37 (hg19) VCF-style: chr15-48777633-C-T.
Other names: NM_000138.5(FBN1):c.3650G>A; short protein forms G1217D.
Identifiers: ClinVar variation 549180 (VCV000549180.12), dbSNP rs1555398397, ClinGen allele CA392324483.